The following is an entry in ClinVar:

NM_001127222.2(CACNA1A):c.1378G>C (p.Ala460Pro)

Gene: CACNA1A (calcium voltage-gated channel subunit alpha1 A; minus strand). Cytogenetic location: 19p13.13.
Variant type: single nucleotide variant.
Coding change: c.1378G>C on transcript NM_001127222.2 (MANE Select); coding-DNA position 1378, G replaced by C.
Protein change: p.Ala460Pro; replaces alanine 460 with proline.
Molecular consequence: missense variant.
Genome position (GRCh38, 1-based): chr19:13,317,289, C>G on the plus strand (G>C on the coding strand, the complement: CACNA1A is on the minus strand). VCF-style: chr19-13317289-C-G. GRCh37 (hg19) VCF-style: chr19-13428103-C-G.
Other names: c.1381G>C, p.Ala461Pro (NM_000068.4, NM_001127221.2, NM_001174080.2 and 1 more transcripts); short protein forms A460P, A461P.
Identifiers: ClinVar variation 3749552 (VCV003749552.3).

ClinVar aggregate classification (germline): Uncertain significance. Review status: criteria provided, multiple submitters, no conflicts (2 of 4 stars). 2 submissions from 2 submitters: Uncertain significance (2). Last evaluated 2024-08-31.

Conditions:
Developmental and epileptic encephalopathy, 42 (DEE42A). Also called: DEVELOPMENTAL AND EPILEPTIC ENCEPHALOPATHY 42A; EPILEPTIC ENCEPHALOPATHY, EARLY INFANTILE, 42A; Epileptic encephalopathy, early infantile, 42. Identifiers: MedGen C4310716, MONDO:0014917, OMIM 617106.
Episodic ataxia type 2 (EA2). Also called: ACETAZOLAMIDE-RESPONSIVE HEREDITARY PAROXYSMAL CEREBELLAR ATAXIA; ATAXIA, EPISODIC, WITH NYSTAGMUS; ATAXIA, FAMILIAL PAROXYSMAL; CEREBELLAR ATAXIA, PAROXYSMAL, ACETAZOLAMIDE-RESPONSIVE; CEREBELLOPATHY, HEREDITARY PAROXYSMAL; EPISODIC ATAXIA, NYSTAGMUS-ASSOCIATED. Identifiers: Orphanet 97, MedGen C1720416, MONDO:0007163, OMIM 108500.

gnomAD v4.1: 30 of 1,610,338 alleles (0.0019%); highest among the groups gnomAD compares: Non-Finnish European, 0.0024%; no homozygotes.

Submissions (2):

Labcorp Genetics (formerly Invitae), Labcorp
Classification: Uncertain significance for Developmental and epileptic encephalopathy, 42; Episodic ataxia type 2. Last evaluated: 2024-08-31. Review status: criteria provided, single submitter. Criteria: Invitae Variant Classification Sherloc (09022015). Collection method: clinical testing. Allele origin: germline.
Comment: This sequence change replaces alanine, which is neutral and non-polar, with proline, which is neutral and non-polar, at codon 461 of the CACNA1A protein (p.Ala461Pro). This variant is not present in population databases (gnomAD no frequency). This variant has not been reported in the literature in individuals affected with CACNA1A-related conditions. Invitae Evidence Modeling of protein sequence and biophysical properties (such as structural, functional, and spatial information, amino acid conservation, physicochemical variation, residue mobility, and thermodynamic stability) indicates that this missense variant is not expected to disrupt CACNA1A protein function with a negative predictive value of 95%. In summary, the available evidence is currently insufficient to determine the role of this variant in disease. Therefore, it has been classified as a Variant of Uncertain Significance.

Blueprint Genetics
Classification: Uncertain significance. Last evaluated: 2022-04-11. Review status: criteria provided, single submitter. Criteria: ACMG Guidelines, 2015. Collection method: clinical testing. Allele origin: germline.